The following is an entry in ClinVar:

NM_017780.4(CHD7):c.8700G>A (p.Pro2900=)

Gene: CHD7 (chromodomain helicase DNA binding protein 7; plus strand). Cytogenetic location: 8q12.2.
Variant type: single nucleotide variant.
Coding change: c.8700G>A on transcript NM_017780.4 (MANE Select); coding-DNA position 8700, G replaced by A.
Protein change: p.Pro2900=; no amino-acid change (proline 2900 retained).
Molecular consequence: synonymous variant.
Genome position (GRCh38, 1-based): chr8:60,865,639, G>A. VCF-style: chr8-60865639-G-A. GRCh37 (hg19) VCF-style: chr8-61778198-G-A.
Other names: c.2553G>A, p.Pro851= (NM_001316690.1).
Identifiers: ClinVar variation 1764371 (VCV001764371.8), dbSNP rs1320097712, ClinGen allele CA461106330.
Genomic context (GRCh38, chr8:60,865,639, plus strand): 5'-GGCTGGATTGCCCTCAAACCCGCTAGCCTTCAACCCTTTCCTCCTGTCCACAATGGCCCC[G>A]GGCCTCTTCTACCCATCCATGTTTCTACCTCCAGGACTGGGGGGATTGACGCTGCCTGGG-3'
Protein context (NP_060250.2, residues 2890-2910): FNPFLLSTMA[Pro2900=]GLFYPSMFLP

ClinVar aggregate classification (germline): Benign/Likely benign. Review status: criteria provided, multiple submitters, no conflicts (2 of 4 stars). 3 submissions from 3 submitters: Benign (1); Likely benign (2). Last evaluated 2026-01-06.

Conditions:
CHD7-related disorder. Also called: CHD7-related condition.
Inborn genetic diseases. Identifiers: MedGen C0950123, MeSH D030342.
CHARGE syndrome (CHARGE). Also called: Hittner Hirsch Kreh syndrome; CHARGE ASSOCIATION--COLOBOMA, HEART ANOMALY, CHOANAL ATRESIA, RETARDATION, GENITAL AND EAR ANOMALIES; Coloboma, heart anomaly, choanal atresia, retardation, genital and ear anomalies; CHARGE association; Hall-Hittner syndrome. Identifiers: Orphanet 138, MedGen C0265354, MONDO:0008965.

Allele frequency attached by ClinVar (database versions not stated): gnomAD exomes 0.00001; TOPMed 0.00003; gnomAD 0.00004.
gnomAD v4.1: 15 of 1,611,556 alleles (0.00093%); highest among the groups gnomAD compares: African/African-American, 0.008%; no homozygotes.

Submissions (3):

Labcorp Genetics (formerly Invitae), Labcorp
Classification: Benign for CHARGE syndrome. Last evaluated: 2026-01-06. Review status: criteria provided, single submitter. Criteria: Invitae Variant Classification Sherloc (09022015). Collection method: clinical testing. Allele origin: germline.

PreventionGenetics, part of Exact Sciences
Classification: Likely benign for CHD7-related condition. Last evaluated: 2025-02-04. Review status: criteria provided, single submitter. Criteria: ACMG Guidelines, 2015. Collection method: clinical testing. Allele origin: germline.
Comment: This variant is classified as likely benign based on ACMG/AMP sequence variant interpretation guidelines (Richards et al. 2015 PMID: 25741868, with internal and published modifications).

Ambry Genetics
Classification: Likely benign for Inborn genetic diseases. Last evaluated: 2019-07-08. Review status: criteria provided, single submitter. Criteria: Ambry Variant Classification Scheme 2023. Collection method: clinical testing. Allele origin: germline.